The following is an entry in ClinVar:

NM_004484.4(GPC3):c.746G>A (p.Ser249Asn)

Gene: GPC3 (glypican 3; minus strand). Cytogenetic location: Xq26.2.
Variant type: single nucleotide variant.
Coding change: c.746G>A on transcript NM_004484.4 (MANE Select); coding-DNA position 746, G replaced by A.
Protein change: p.Ser249Asn; replaces serine 249 with asparagine.
Molecular consequence: missense variant.
Genome position (GRCh38, 1-based): chrX:133,753,768, C>T on the plus strand (G>A on the coding strand, the complement: GPC3 is on the minus strand). VCF-style: chrX-133753768-C-T. GRCh37 (hg19) VCF-style: chrX-132887795-C-T.
Other names: c.746G>A, p.Ser249Asn (NM_001164617.2); c.698G>A, p.Ser233Asn (NM_001164618.2); c.584G>A, p.Ser195Asn (NM_001164619.2); short protein forms S195N, S249N, S233N.
Identifiers: ClinVar variation 1369869 (VCV001369869.6), dbSNP rs2124480231, ClinGen allele CA414705948.
Genomic context (GRCh38, chrX:133,753,768, plus strand): 5'-ATCAGTCCCTGGCAGTAAGAGCAGTACCACATTCTGGTGAGCATTCGGCCACAGTCCTTA[C>T]TGAACTTCAGGTGATCAGTTGTGTTGATCACTTCAATTCCAAGATTCAGAGCCTGAAGGA-3'
Protein context (NP_004475.1, residues 239-259): VINTTDHLKF[Ser249Asn]KDCGRMLTRM

ClinVar aggregate classification (germline): Uncertain significance (1 of 4 stars; one submission).

Conditions:
Wilms tumor 1 (WT1). Also called: Wilms tumor, somatic. Identifiers: Orphanet 654, MedGen CN033288, MONDO:0008679, OMIM 194070.

Submission:

Labcorp Genetics (formerly Invitae), Labcorp
Classification: Uncertain significance for Wilms tumor 1. Last evaluated: 2021-12-05. Review status: criteria provided, single submitter. Criteria: Invitae Variant Classification Sherloc (09022015). Collection method: clinical testing. Allele origin: germline.
Comment: This variant has not been reported in the literature in individuals affected with GPC3-related conditions. This variant is not present in population databases (gnomAD no frequency). This sequence change replaces serine, which is neutral and polar, with asparagine, which is neutral and polar, at codon 249 of the GPC3 protein (p.Ser249Asn). Algorithms developed to predict the effect of missense changes on protein structure and function are either unavailable or do not agree on the potential impact of this missense change (SIFT: "Tolerated"; PolyPhen-2: "Possibly Damaging"; Align-GVGD: "Class C0"). In summary, the available evidence is currently insufficient to determine the role of this variant in disease. Therefore, it has been classified as a Variant of Uncertain Significance.